The following is an entry in ClinVar:

NC_000007.14:g.117479421T>C

Genes: CFTR (CF transmembrane conductance regulator; plus strand), LOC111674463 (CFTR promoter region; plus strand). Cytogenetic location: 7q31.2.
Variant type: single nucleotide variant.
Genome position: GRCh38 VCF-style: chr7-117479421-T-C. GRCh37 (hg19) VCF-style: chr7-117119475-T-C.
Identifiers: ClinVar variation 550903 (VCV000550903.4), dbSNP rs1554372953, ClinGen allele CA658822027.

ClinVar aggregate classification (germline): Uncertain significance. Review status: criteria provided, multiple submitters, no conflicts (2 of 4 stars). 3 submissions from 3 submitters: Uncertain significance (2). 1 of the submissions does not count toward it. Last evaluated 2025-03-02.

Conditions:
Cystic fibrosis (CF). Also called: MUCOVISCIDOSIS. Identifiers: Orphanet 586, MedGen C0010674, MONDO:0009061, OMIM 219700. Disease mechanism: loss of function.

Submissions (3):

Labcorp Genetics (formerly Invitae), Labcorp
Classification: Uncertain significance for Cystic fibrosis. Last evaluated: 2025-03-02. Review status: criteria provided, single submitter. Criteria: Invitae Variant Classification Sherloc (09022015). Collection method: clinical testing. Allele origin: germline.
Comment: This variant occurs in a non-coding region of the CFTR gene. It does not change the encoded amino acid sequence of the CFTR protein. This variant is not present in population databases (gnomAD no frequency). This variant has been observed in individuals with congenital bilateral absence of the vas deferens (PMID: 23470247). Algorithms developed to predict the effect of variants on gene product structure and function are not available or were not evaluated for this variant. Experimental studies have shown that this variant affects CFTR function (PMID: 23470247). In summary, the available evidence is currently insufficient to determine the role of this variant in disease. Therefore, it has been classified as a Variant of Uncertain Significance.

ARUP Laboratories, Molecular Genetics and Genomics, ARUP Laboratories
Classification: Uncertain significance. Last evaluated: 2025-01-23. Review status: criteria provided, single submitter. Criteria: ARUP Molecular Germline Variant Investigation Process 2024. Collection method: clinical testing. Allele origin: germline.
Comment: The CFTR c.-674T>C variant (rs1554372953, ClinVar Variation ID: 550903), also known as c.-542T>C in legacy nomenclature, is reported in the literature in three compound heterozygous or homozygous individuals affected with congenital bilateral absence of the vas deferens; these patients had normal sweat chloride results (Giordano 2013). This variant is absent from the Genome Aggregation Database (v2.1.1), indicating it is not a common polymorphism. This variant occurs in the upstream promoter region at a nucleotide that is weakly conserved, however in vitro functional assays found this variant significantly reduced CFTR expression in two of the four cell lines tested (Giordano 2013). While this variant is not associated with classic cystic fibrosis, the clinical significance for CFTR-related disorders is uncertain. References: Giordano S et al. Molecular and functional analysis of the large 5' promoter region of CFTR gene revealed pathogenic mutations in CF and CFTR-related disorders. J Mol Diagn. 2013 May;15(3):331-40. PMID: 23470247.

Counsyl
Classification: Uncertain significance for Cystic fibrosis. Last evaluated: 2017-03-01. Review status: no assertion criteria provided. Collection method: clinical testing. Allele origin: unknown. Not counted in ClinVar's aggregate classification.

Literature cited by the submitters: PubMed 23470247 (cited by Labcorp Genetics (formerly Invitae), Labcorp).